The following is an entry in ClinVar:

NM_001846.4(COL4A2):c.241C>T (p.Pro81Ser)

Gene: COL4A2 (collagen type IV alpha 2 chain; plus strand). Cytogenetic location: 13q34.
Variant type: single nucleotide variant.
Coding change: c.241C>T on transcript NM_001846.4 (MANE Select); coding-DNA position 241, C replaced by T.
Protein change: p.Pro81Ser; replaces proline 81 with serine.
Molecular consequence: missense variant.
Genome position (GRCh38, 1-based): chr13:110,424,794, C>T. VCF-style: chr13-110424794-C-T. GRCh37 (hg19) VCF-style: chr13-111077141-C-T.
Other names: short protein forms P81S.
Identifiers: ClinVar variation 3719601 (VCV003719601.2).

ClinVar aggregate classification (germline): Uncertain significance (1 of 4 stars; one submission).

Submission:

Labcorp Genetics (formerly Invitae), Labcorp
Classification: Uncertain significance. Last evaluated: 2024-12-18. Review status: criteria provided, single submitter. Criteria: Invitae Variant Classification Sherloc (09022015). Collection method: clinical testing. Allele origin: germline.
Comment: This sequence change replaces proline, which is neutral and non-polar, with serine, which is neutral and polar, at codon 81 of the COL4A2 protein (p.Pro81Ser). This variant is not present in population databases (gnomAD no frequency). This variant has not been reported in the literature in individuals affected with COL4A2-related conditions. Invitae Evidence Modeling of protein sequence and biophysical properties (such as structural, functional, and spatial information, amino acid conservation, physicochemical variation, residue mobility, and thermodynamic stability) indicates that this missense variant is not expected to disrupt COL4A2 protein function with a negative predictive value of 95%. In summary, the available evidence is currently insufficient to determine the role of this variant in disease. Therefore, it has been classified as a Variant of Uncertain Significance.